The following is an entry in ClinVar:

ClinVar aggregate classification (germline): Pathogenic/Likely pathogenic. Review status: criteria provided, multiple submitters, no conflicts (2 of 4 stars). 5 submissions from 5 submitters: Pathogenic (2); Likely pathogenic (3). Last evaluated 2026-07-20.

Conditions:
Cardiovascular phenotype. Identifiers: MedGen CN230736.
Hereditary cancer-predisposing syndrome. Also called: Hereditary Cancer Syndrome; Tumor predisposition; Hereditary neoplastic syndrome; Neoplastic Syndromes, Hereditary. Identifiers: Orphanet 140162, MedGen C0027672, MeSH D009386, MONDO:0015356.
Neurofibromatosis, type 1 (NF1). Also called: Peripheral type neurofibromatosis; Neurofibromatosis, type I; VON RECKLINGHAUSEN DISEASE; NEUROFIBROMATOSIS, TYPE I, SOMATIC. Identifiers: Orphanet 636, MedGen C0027831, MONDO:0018975, OMIM 162200. Disease mechanism: loss of function.

Submissions (5):

Ambry Genetics
Classification: Likely pathogenic for Cardiovascular phenotype; Hereditary cancer-predisposing syndrome. Last evaluated: 2026-07-20. Review status: criteria provided, single submitter. Criteria: Ambry Variant Classification Scheme 2023. Collection method: clinical testing. Allele origin: germline.
Comment: The c.1260+2T>G intronic variant results from a T to G substitution two nucleotides after coding exon 11 in the NF1 gene. Variants that disrupt the canonical splice site are expected to result in aberrant splicing. In silico splice site analysis predicts that this alteration will weaken the native splice donor site. A resulting transcript is predicted to be in-frame and is not expected to trigger nonsense-mediated mRNAdecay; although, direct evidence is unavailable. However, the region predicted to be impacted is critical for protein function (Ambry internal data). This variant is considered to be rare based on population cohorts in the Genome Aggregation Database (gnomAD). This nucleotide position is highly conserved in available vertebrate species. Other variant(s) impacting the same donor site (c.1260+2T>C ) have been identified in individual(s) with features consistent with neurofibromatosis type 1 (NF1) (Ambry internal data). Based on the majority of available evidence to date, this variant is likely to be pathogenic.

Labcorp Genetics (formerly Invitae), Labcorp
Classification: Pathogenic for Neurofibromatosis, type 1. Last evaluated: 2024-06-10. Review status: criteria provided, single submitter. Criteria: Invitae Variant Classification Sherloc (09022015). Collection method: clinical testing. Allele origin: germline.
Comment: This sequence change affects a donor splice site in intron 11 of the NF1 gene. RNA analysis indicates that disruption of this splice site induces altered splicing and may result in an absent or disrupted protein product. This variant is not present in population databases (gnomAD no frequency). Disruption of this splice site has been observed in individual(s) with clinical features of neurofibromatosis type 1 (Invitae). ClinVar contains an entry for this variant (Variation ID: 527471). Studies have shown that disruption of this splice site results in inclusion of 13 base pairs of intronic sequence and introduces a premature termination codon (PMID: 10677298). The resulting mRNA is expected to undergo nonsense-mediated decay. For these reasons, this variant has been classified as Pathogenic.

Laboratorio de Genetica e Diagnostico Molecular, Hospital Israelita Albert Einstein
Classification: Likely pathogenic for Neurofibromatosis, type 1. Last evaluated: 2022-12-22. Review status: criteria provided, single submitter. Criteria: ACMG Guidelines, 2015. Collection method: clinical testing. Allele origin: germline. Affected: yes. Observed: 1 variant allele.
Comment: ACMG classification criteria: PVS1 strong, PS4 supporting, PM2 moderated

GeneDx
Classification: Pathogenic. Last evaluated: 2022-04-27. Review status: criteria provided, single submitter. Criteria: GeneDx Variant Classification Process June 2021. Collection method: clinical testing. Allele origin: germline. Affected: yes.
Comment: Canonical splice site variant predicted to result in a null allele in a gene for which loss of function is a known mechanism of disease (Bianchessi 2020); Not observed at significant frequency in large population cohorts (gnomAD); This variant is associated with the following publications: (PMID: 32575496, 10712197, 23913538)

Genome-Nilou Lab
Classification: Likely pathogenic for Neurofibromatosis, type 1. Last evaluated: 2022-03-15. Review status: criteria provided, single submitter. Criteria: ACMG Guidelines, 2015. Collection method: clinical testing. Allele origin: germline. Affected: no.

Literature cited by the submitters: PubMed 10677298 (cited by Labcorp Genetics (formerly Invitae), Labcorp).

NM_001042492.3(NF1):c.1260+2T>G

Gene: NF1 (neurofibromin 1; plus strand). Cytogenetic location: 17q11.2.
Variant type: single nucleotide variant.
Coding change: c.1260+2T>G on transcript NM_001042492.3 (MANE Select); the canonical splice donor site of the intron after coding-DNA position 1260, T replaced by G.
Molecular consequence: splice donor variant.
Genome position (GRCh38, 1-based): chr17:31,201,487, T>G. VCF-style: chr17-31201487-T-G. GRCh37 (hg19) VCF-style: chr17-29528505-T-G.
Other names: c.1260+2T>G (NM_000267.4, NM_001128147.3).
Identifiers: ClinVar variation 527471 (VCV000527471.9), dbSNP rs1555611110, ClinGen allele CA398997819.